The following is an entry in ClinVar:

ClinVar aggregate classification (germline): Likely benign (1 of 4 stars; one submission).

Conditions:
PLXNA3-related disorder. Also called: PLXNA3-related condition.

Submission:

PreventionGenetics, part of Exact Sciences
Classification: Likely benign for PLXNA3-related condition. Last evaluated: 2026-07-29. Review status: criteria provided, single submitter. Criteria: ACMG Guidelines, 2015. Collection method: clinical testing. Allele origin: germline.
Comment: This variant is classified as likely benign based on ACMG/AMP sequence variant interpretation guidelines (Richards et al. 2015 PMID: 25741868, with internal and published modifications).

NM_017514.5(PLXNA3):c.1017C>T (p.Leu339=)

Gene: PLXNA3 (plexin A3; plus strand). Cytogenetic location: Xq28.
Variant type: single nucleotide variant.
Coding change: c.1017C>T on transcript NM_017514.5 (MANE Select); coding-DNA position 1017, C replaced by T.
Protein change: p.Leu339=; no amino-acid change (leucine 339 retained).
Molecular consequence: synonymous variant.
Genome position (GRCh38, 1-based): chrX:154,461,521, C>T. VCF-style: chrX-154461521-C-T. GRCh37 (hg19) VCF-style: chrX-153689861-C-T.
Identifiers: ClinVar variation 4991759 (VCV004991759.1).